The following is an entry in ClinVar:

NM_152296.5(ATP1A3):c.2565C>T (p.Gly855=)

Gene: ATP1A3 (ATPase Na+/K+ transporting subunit alpha 3; minus strand). Cytogenetic location: 19q13.2.
Variant type: single nucleotide variant.
Coding change: c.2565C>T on transcript NM_152296.5 (MANE Select); coding-DNA position 2565, C replaced by T.
Protein change: p.Gly855=; no amino-acid change (glycine 855 retained).
Molecular consequence: synonymous variant.
Genome position (GRCh38, 1-based): chr19:41,969,558, G>A on the plus strand (C>T on the coding strand, the complement: ATP1A3 is on the minus strand). VCF-style: chr19-41969558-G-A. GRCh37 (hg19) VCF-style: chr19-42473710-G-A.
Other names: c.2598C>T, p.Gly866= (NM_001256213.2); c.2604C>T, p.Gly868= (NM_001256214.2).
Identifiers: ClinVar variation 4821074 (VCV004821074.4).

ClinVar aggregate classification (germline): Likely benign (1 of 4 stars; one submission).

gnomAD v4.1: 7 of 1,612,536 alleles (0.00043%); highest among the groups gnomAD compares: African/African-American, 0.004%; no homozygotes.

Submission:

CeGaT Center for Human Genetics Tuebingen
Classification: Likely benign. Last evaluated: 2026-05-01. Review status: criteria provided, single submitter. Criteria: CeGaT Center For Human Genetics Tuebingen Variant Classification Criteria Version 2. Collection method: clinical testing. Allele origin: germline. Affected: yes. Observed: 2 variant alleles.
Comment: ATP1A3: BP4, BP7